The following is an entry in ClinVar:

ClinVar aggregate classification (germline): Uncertain significance (1 of 4 stars; one submission).

Submission:

Ambry Genetics
Classification: Uncertain significance. Last evaluated: 2026-01-18. Review status: criteria provided, single submitter. Criteria: Ambry Variant Classification Scheme 2023. Collection method: clinical testing. Allele origin: germline.
Comment: The p.L441S variant (also known as c.1322T>C), located in coding exon 13 of the KIF1B gene, results from a T to C substitution at nucleotide position 1322. The leucine at codon 441 is replaced by serine, an amino acid with dissimilar properties. This amino acid position is conserved. In addition, this alteration is predicted to be deleterious by in silico analysis. Based on the available evidence, the clinical significance of this variant remains unclear.

NM_001365951.3(KIF1B):c.1460T>C (p.Leu487Ser)

Gene: KIF1B (kinesin family member 1B; plus strand). Cytogenetic location: 1p36.22.
Variant type: single nucleotide variant.
Coding change: c.1460T>C on transcript NM_001365951.3 (MANE Select); coding-DNA position 1460, T replaced by C.
Protein change: p.Leu487Ser; replaces leucine 487 with serine.
Molecular consequence: missense variant.
Genome position (GRCh38, 1-based): chr1:10,291,107, T>C. VCF-style: chr1-10291107-T-C. GRCh37 (hg19) VCF-style: chr1-10351165-T-C.
Other names: c.1460T>C, p.Leu487Ser (NM_001365952.1); c.1322T>C, p.Leu441Ser (NM_001365953.1, NM_015074.3, NM_183416.4); short protein forms L441S, L487S.
Identifiers: ClinVar variation 4844660 (VCV004844660.1).